The following is an entry in ClinVar:

ClinVar aggregate classification (germline): Uncertain significance (1 of 4 stars; one submission).

Conditions:
Catecholaminergic polymorphic ventricular tachycardia 1. Also called: VENTRICULAR TACHYCARDIA, STRESS-INDUCED POLYMORPHIC 1; VENTRICULAR TACHYCARDIA, CATECHOLAMINERGIC POLYMORPHIC, 1, WITH OR WITHOUT ATRIAL DYSFUNCTION AND/OR DILATED CARDIOMYOPATHY; RYR2-Related Catecholaminergic Polymorphic Ventricular Tachycardia. Identifiers: Orphanet 3286, MedGen C1631597, MONDO:0011484, OMIM 604772.

Submission:

Labcorp Genetics (formerly Invitae), Labcorp
Classification: Uncertain significance for Catecholaminergic polymorphic ventricular tachycardia 1. Last evaluated: 2022-04-24. Review status: criteria provided, single submitter. Criteria: Invitae Variant Classification Sherloc (09022015). Collection method: clinical testing. Allele origin: germline.
Comment: This sequence change replaces histidine, which is basic and polar, with proline, which is neutral and non-polar, at codon 554 of the TRDN protein (p.His554Pro). This variant is not present in population databases (gnomAD no frequency). This variant has not been reported in the literature in individuals affected with TRDN-related conditions. ClinVar contains an entry for this variant (Variation ID: 1013914). Algorithms developed to predict the effect of missense changes on protein structure and function are either unavailable or do not agree on the potential impact of this missense change (SIFT: "Deleterious"; PolyPhen-2: "Benign"; Align-GVGD: "Class C0"). In summary, the available evidence is currently insufficient to determine the role of this variant in disease. Therefore, it has been classified as a Variant of Uncertain Significance.

NM_006073.4(TRDN):c.1661A>C (p.His554Pro)

Gene: TRDN (triadin; minus strand). Cytogenetic location: 6q22.31.
Variant type: single nucleotide variant.
Coding change: c.1661A>C on transcript NM_006073.4 (MANE Select); coding-DNA position 1661, A replaced by C.
Protein change: p.His554Pro; replaces histidine 554 with proline.
Molecular consequence: missense variant.
Genome position (GRCh38, 1-based): chr6:123,272,975, T>G on the plus strand (A>C on the coding strand, the complement: TRDN is on the minus strand). VCF-style: chr6-123272975-T-G. GRCh37 (hg19) VCF-style: chr6-123594120-T-G.
Other names: short protein forms H554P.
Identifiers: ClinVar variation 1013914 (VCV001013914.10), dbSNP rs1777253805, ClinGen allele CA365564797.